The following is an entry in ClinVar:

ClinVar aggregate classification (germline): Uncertain significance. Review status: criteria provided, multiple submitters, no conflicts (2 of 4 stars). 3 submissions from 3 submitters: Uncertain significance (3). Last evaluated 2025-12-12.

Conditions:
Hereditary cancer-predisposing syndrome. Also called: Neoplastic Syndromes, Hereditary; Hereditary Cancer Syndrome; Tumor predisposition; Hereditary neoplastic syndrome. Identifiers: Orphanet 140162, MedGen C0027672, MeSH D009386, MONDO:0015356.
Congenital central hypoventilation. Also called: Congenital Central Hypoventilation Syndrome. Identifiers: Orphanet 661, Orphanet 99803, MedGen C1275808, MONDO:0800031. Disease mechanism: gain of function.
Neuroblastoma, susceptibility to, 2. Identifiers: Orphanet 635, MedGen C2751682, MONDO:0700041, OMIM 613013.
Haddad syndrome (OHD). Also called: Ondine-Hirschsprung disease. Identifiers: Orphanet 99803, MedGen C1859049, MONDO:0020493.

Allele frequency attached by ClinVar (database versions not stated): gnomAD exomes below 0.00001 and 0.00001; TOPMed below 0.00001.

Submissions (3):

Ambry Genetics
Classification: Uncertain significance for Hereditary cancer-predisposing syndrome. Last evaluated: 2025-12-12. Review status: criteria provided, single submitter. Criteria: Ambry Variant Classification Scheme 2023. Collection method: clinical testing. Allele origin: germline.
Comment: The p.P284R variant (also known as c.851C>G), located in coding exon 3 of the PHOX2B gene, results from a C to G substitution at nucleotide position 851. The proline at codon 284 is replaced by arginine, an amino acid with dissimilar properties. This amino acid position is conserved. In addition, the in silico prediction for this alteration is inconclusive. Since supporting evidence is limited at this time, the clinical significance of this alteration remains unclear.

Labcorp Genetics (formerly Invitae), Labcorp
Classification: Uncertain significance for Haddad syndrome. Last evaluated: 2025-12-01. Review status: criteria provided, single submitter. Criteria: Invitae Variant Classification Sherloc (09022015). Collection method: clinical testing. Allele origin: germline.
Comment: This sequence change replaces proline, which is neutral and non-polar, with arginine, which is basic and polar, at codon 284 of the PHOX2B protein (p.Pro284Arg). This variant is present in population databases (no rsID available, gnomAD 0.0009%). This variant has not been reported in the literature in individuals affected with PHOX2B-related conditions. ClinVar contains an entry for this variant (Variation ID: 535774). Experimental studies and prediction algorithms are not available or were not evaluated, and the functional significance of this variant is currently unknown. In summary, the available evidence is currently insufficient to determine the role of this variant in disease. Therefore, it has been classified as a Variant of Uncertain Significance.

Fulgent Genetics
Classification: Uncertain significance for Central hypoventilation syndrome, congenital, 1, with or without Hirschsprung disease; Neuroblastoma, susceptibility to, 2. Last evaluated: 2018-10-31. Review status: criteria provided, single submitter. Criteria: ACMG Guidelines, 2015. Collection method: clinical testing. Allele origin: unknown.

NM_003924.4(PHOX2B):c.851C>G (p.Pro284Arg)

Gene: PHOX2B (paired like homeobox 2B; minus strand). Cytogenetic location: 4p13.
Variant type: single nucleotide variant.
Coding change: c.851C>G on transcript NM_003924.4 (MANE Select); coding-DNA position 851, C replaced by G.
Protein change: p.Pro284Arg; replaces proline 284 with arginine.
Molecular consequence: missense variant.
Genome position (GRCh38, 1-based): chr4:41,745,901, G>C on the plus strand (C>G on the coding strand, the complement: PHOX2B is on the minus strand). VCF-style: chr4-41745901-G-C. GRCh37 (hg19) VCF-style: chr4-41747918-G-C.
Other names: short protein forms P284R.
Identifiers: ClinVar variation 535774 (VCV000535774.15), dbSNP rs1462459716, ClinGen allele CA356736989.